The following is an entry in ClinVar:

NM_006389.5(HYOU1):c.617A>G (p.Asn206Ser)

Gene: HYOU1 (hypoxia up-regulated 1; minus strand). Cytogenetic location: 11q23.3.
Variant type: single nucleotide variant.
Coding change: c.617A>G on transcript NM_006389.5 (MANE Select); coding-DNA position 617, A replaced by G.
Protein change: p.Asn206Ser; replaces asparagine 206 with serine.
Molecular consequence: missense variant.
Genome position (GRCh38, 1-based): chr11:119,054,555, T>C on the plus strand (A>G on the coding strand, the complement: HYOU1 is on the minus strand). VCF-style: chr11-119054555-T-C. GRCh37 (hg19) VCF-style: chr11-118925267-T-C.
Other names: c.617A>G, p.Asn206Ser (NM_001130991.3, NM_001411041.1); short protein forms N206S.
Identifiers: ClinVar variation 4694409 (VCV004694409.1).

ClinVar aggregate classification (germline): Uncertain significance (1 of 4 stars; one submission).

Submission:

Labcorp Genetics (formerly Invitae), Labcorp
Classification: Uncertain significance. Last evaluated: 2025-07-14. Review status: criteria provided, single submitter. Criteria: Invitae Variant Classification Sherloc (09022015). Collection method: clinical testing. Allele origin: germline.
Comment: This sequence change replaces asparagine, which is neutral and polar, with serine, which is neutral and polar, at codon 206 of the HYOU1 protein (p.Asn206Ser). This variant is not present in population databases (gnomAD no frequency). This variant has not been reported in the literature in individuals affected with HYOU1-related conditions. An algorithm developed to predict the effect of missense changes on protein structure and function (PolyPhen-2) suggests that this variant is likely to be disruptive. In summary, the available evidence is currently insufficient to determine the role of this variant in disease. Therefore, it has been classified as a Variant of Uncertain Significance.